The following is an entry in ClinVar:

NM_006922.4(SCN3A):c.4495C>T (p.Leu1499Phe)

Gene: SCN3A (sodium voltage-gated channel alpha subunit 3; minus strand). Cytogenetic location: 2q24.3.
Variant type: single nucleotide variant.
Coding change: c.4495C>T on transcript NM_006922.4 (MANE Select); coding-DNA position 4495, C replaced by T.
Protein change: p.Leu1499Phe; replaces leucine 1499 with phenylalanine.
Molecular consequence: missense variant.
Genome position (GRCh38, 1-based): chr2:165,094,415, G>A on the plus strand (C>T on the coding strand, the complement: SCN3A is on the minus strand). VCF-style: chr2-165094415-G-A. GRCh37 (hg19) VCF-style: chr2-165950925-G-A.
Other names: c.4348C>T, p.Leu1450Phe (NM_001081676.2, NM_001081677.2); short protein forms L1450F, L1499F.
Identifiers: ClinVar variation 3363485 (VCV003363485.2).
Genomic context (GRCh38, chr2:165,094,415, plus strand): 5'-GGAGACAAGTAATTCTTACTGCTGGGCGAGGTATGGGTTTCTGAGGTTTCTTGGATCCAA[G>A]TTTCTTCATTGCATTGTAATATTTTTTCTGTTCCTCTGTCATAAAGATGTCTTGACCTCC-3'
Protein context (NP_008853.3, residues 1489-1509): QKKYYNAMKK[Leu1499Phe]GSKKPQKPIP

ClinVar aggregate classification (germline): Uncertain significance (1 of 4 stars; one submission).

Submission:

GeneDx
Classification: Uncertain significance. Last evaluated: 2025-10-09. Review status: criteria provided, single submitter. Criteria: GeneDx Variant Classification Process June 2021. Collection method: clinical testing. Allele origin: germline.
Comment: Not observed at significant frequency in large population cohorts (gnomAD); In silico analysis supports that this missense variant has a deleterious effect on protein structure/function; Has not been previously published as pathogenic or benign to our knowledge